The following is an entry in ClinVar:

ClinVar aggregate classification (germline): Uncertain significance. Review status: criteria provided, multiple submitters, no conflicts (2 of 4 stars). 3 submissions from 3 submitters: Uncertain significance (2). 1 of the submissions does not count toward it. Last evaluated 2026-03-02.

Conditions:
Congenital myasthenic syndrome (CMS). Also called: Congenital Myasthenic Syndromes. Identifiers: Orphanet 590, MedGen C0751882, MeSH D020294, MONDO:0018940.
Congenital myasthenic syndrome 4A. Also called: MYASTHENIC SYNDROME, CONGENITAL, 4A, SLOW-CHANNEL, AUTOSOMAL RECESSIVE; Myasthenic syndrome, congenital, 4a, slow-channel; CONGENITAL MYASTHENIC SYNDROME TYPE Ia1. Identifiers: Orphanet 590, MedGen C4225413, MONDO:0011600, OMIM 605809.

Submissions (3):

Myriad Genetics, Inc.
Classification: Uncertain significance for Congenital myasthenic syndrome. Last evaluated: 2026-03-02. Review status: criteria provided, single submitter. Criteria: Myriad Autosomal Dominant, Autosomal Recessive and X-Linked Classification Criteria (2023). Collection method: clinical testing. Allele origin: unknown.
Comment: NM_000080.3(CHRNE):c.695_697delACT(Y232del) is an in-frame deletion classified as a variant of uncertain significance in the context of congenital myasthenic syndrome, CHRNE-related. Y232del has been observed in a case with relevant disease (PMID: 40768883). Relevant functional assessments of this variant are not available in the literature. Y232del has not been observed in referenced population frequency databases. In summary, there is insufficient evidence to classify NM_000080.3(CHRNE):c.695_697delACT(Y232del) as pathogenic or benign. Please note: this variant was assessed in the context of healthy population screening.

Labcorp Genetics (formerly Invitae), Labcorp
Classification: Uncertain significance for Congenital myasthenic syndrome 4A. Last evaluated: 2022-06-13. Review status: criteria provided, single submitter. Criteria: Invitae Variant Classification Sherloc (09022015). Collection method: clinical testing. Allele origin: germline.
Comment: This variant, c.695_697del, results in the deletion of 1 amino acid(s) of the CHRNE protein (p.Tyr232del), but otherwise preserves the integrity of the reading frame. This variant is not present in population databases (gnomAD no frequency). This variant has not been reported in the literature in individuals affected with CHRNE-related conditions. Experimental studies and prediction algorithms are not available or were not evaluated, and the functional significance of this variant is currently unknown. In summary, the available evidence is currently insufficient to determine the role of this variant in disease. Therefore, it has been classified as a Variant of Uncertain Significance.

Department of Molecular Biology and Genetics, Al-Quds University
Classification: Likely pathogenic for Congenital myasthenic syndrome. Last evaluated: 2025-01-16. Review status: no assertion criteria provided. Collection method: clinical testing. Allele origin: inherited. Affected: yes. Observed: 1 variant allele. Not counted in ClinVar's aggregate classification.
Comment: This sequence change (c.695_697delACT) results in an in-frame deletion (p.Thr232del) in the CHRNE gene. CHRNE is associated with Congenital Myasthenic Syndrome (CMS). This variant is absent from population databases (gnomAD) and is predicted to be deleterious by computational tools. However, it has not been reported in the literature or functionally characterized. The most common symptoms that were observed in patients with this variant are ptosis, muscle weakness and recurrent respiratory infections.

Literature cited by the submitters: PubMed 40768883 (cited by Myriad Genetics, Inc.).

NM_000080.4(CHRNE):c.695_697del (p.Tyr232del)

Genes: C17orf107 (chromosome 17 open reading frame 107; plus strand), CHRNE (cholinergic receptor nicotinic epsilon subunit; minus strand). Cytogenetic location: 17p13.2.
Variant type: Deletion.
Coding change: c.695_697del on transcript NM_000080.4 (MANE Select); coding-DNA positions 695 to 697, 3 bases deleted (ACT; older notation c.695_697delACT).
Protein change: p.Tyr232del; deletes tyrosine 232.
Molecular consequence: inframe deletion. On other transcripts: 3 prime UTR variant (1).
Genome position (GRCh38, 1-based): chr17:4,901,095-4,901,097, AGT deleted on the plus strand (ACT on the coding strand, the reverse complement: CHRNE is on the minus strand); deleting any 3 consecutive bases within chr17:4,901,095-4,901,099 gives the same sequence; the c. name uses the placement nearest the transcript's 3' end. VCF-style (leftmost placement, unchanged base first): chr17-4901094-GAGT-G. GRCh37 (hg19) VCF-style: chr17-4804389-GAGT-G.
Other names: c.*564_*566del (NM_001145536.2); c.695_697delACT (NM_000080.3); short protein forms Y232del.
Identifiers: ClinVar variation 2164504 (VCV002164504.3), dbSNP rs1969969385, ClinGen allele CA980965457.